The following is an entry in ClinVar:

NM_006440.5(TXNRD2):c.1348-9G>A

Gene: TXNRD2 (thioredoxin reductase 2; minus strand). Cytogenetic location: 22q11.21.
Variant type: single nucleotide variant.
Coding change: c.1348-9G>A on transcript NM_006440.5 (MANE Select); 9 bases into the intron before coding-DNA position 1348, G replaced by A.
Molecular consequence: intron variant.
Genome position (GRCh38, 1-based): chr22:19,878,196, C>T on the plus strand (G>A on the coding strand, the complement: TXNRD2 is on the minus strand). VCF-style: chr22-19878196-C-T. GRCh37 (hg19) VCF-style: chr22-19865719-C-T.
Other names: c.1345-9G>A (NM_001352300.2); c.1060-9G>A (NM_001352302.2); c.1258-9G>A (NM_001352301.2).
Identifiers: ClinVar variation 1414723 (VCV001414723.8), dbSNP rs774694967, ClinGen allele CA10103679.

ClinVar aggregate classification (germline): Uncertain significance. Review status: criteria provided, multiple submitters, no conflicts (2 of 4 stars). 2 submissions from 2 submitters: Uncertain significance (2). Last evaluated 2022-08-26.

Conditions:
Primary dilated cardiomyopathy (DCM). Also called: Dilated Cardiomyopathy. Identifiers: Orphanet 217604, MedGen C0007193, MeSH D002311, MONDO:0005021, HP:0001644. Inheritance: Various modes of inheritance.

Allele frequency attached by ClinVar (database versions not stated): gnomAD exomes 0.00001 and 0.00002; TOPMed 0.00001; gnomAD 0.00002; ExAC 0.00003.
gnomAD v4.1: 29 of 1,612,452 alleles (0.0018%); highest among the groups gnomAD compares: African/African-American, 0.0027%; no homozygotes.

Submissions (2):

GeneDx
Classification: Uncertain significance. Last evaluated: 2022-08-26. Review status: criteria provided, single submitter. Criteria: GeneDx Variant Classification Process June 2021. Collection method: clinical testing. Allele origin: germline. Affected: yes.
Comment: Not observed at significant frequency in large population cohorts (gnomAD); In silico analysis supports a deleterious effect on splicing; Has not been previously published as pathogenic or benign to our knowledge

Labcorp Genetics (formerly Invitae), Labcorp
Classification: Uncertain significance for Primary dilated cardiomyopathy. Last evaluated: 2022-07-03. Review status: criteria provided, single submitter. Criteria: Invitae Variant Classification Sherloc (09022015). Collection method: clinical testing. Allele origin: germline.
Comment: In summary, the available evidence is currently insufficient to determine the role of this variant in disease. Therefore, it has been classified as a Variant of Uncertain Significance. Algorithms developed to predict the effect of sequence changes on RNA splicing suggest that this variant may disrupt the consensus splice site. ClinVar contains an entry for this variant (Variation ID: 1414723). This variant has not been reported in the literature in individuals affected with TXNRD2-related conditions. This variant is present in population databases (rs774694967, gnomAD 0.003%). This sequence change falls in intron 15 of the TXNRD2 gene. It does not directly change the encoded amino acid sequence of the TXNRD2 protein.